The following is an entry in ClinVar:

ClinVar aggregate classification (germline): Likely pathogenic (1 of 4 stars; one submission).

Conditions:
Developmental and epileptic encephalopathy, 54. Also called: Epileptic encephalopathy, early infantile, 54; HNRNPU-Related Neurodevelopmental Disorder. Identifiers: MedGen C4479319, MONDO:0033363, OMIM 617391.

Submission:

Laboratorio de Genetica e Diagnostico Molecular, Hospital Israelita Albert Einstein
Classification: Likely pathogenic for Developmental and epileptic encephalopathy, 54. Last evaluated: 2024-10-11. Review status: criteria provided, single submitter. Criteria: ACMG Guidelines, 2015. Collection method: clinical testing. Allele origin: germline. Affected: yes.
Comment: ACMG classification criteria: PVS1 very strong, PM2 supporting

NM_031844.3(HNRNPU):c.803+1G>T

Gene: HNRNPU (heterogeneous nuclear ribonucleoprotein U; minus strand). Cytogenetic location: 1q44.
Variant type: single nucleotide variant.
Coding change: c.803+1G>T on transcript NM_031844.3 (MANE Select); the canonical splice donor site of the intron after coding-DNA position 803, G replaced by T.
Molecular consequence: splice donor variant.
Genome position (GRCh38, 1-based): chr1:244,862,618, C>A on the plus strand (G>T on the coding strand, the complement: HNRNPU is on the minus strand). VCF-style: chr1-244862618-C-A. GRCh37 (hg19) VCF-style: chr1-245025920-C-A.
Other names: c.746+1G>T (NM_004501.3).
Identifiers: ClinVar variation 4056767 (VCV004056767.1).